The following is an entry in ClinVar:

ClinVar aggregate classification (germline): Uncertain significance (1 of 4 stars; one submission).

Submission:

GeneDx
Classification: Uncertain significance. Last evaluated: 2025-07-09. Review status: criteria provided, single submitter. Criteria: GeneDx Variant Classification Process June 2021. Collection method: clinical testing. Allele origin: germline. Affected: yes.
Comment: Not observed at significant frequency in large population cohorts (gnomAD); In silico analysis supports that this missense variant has a deleterious effect on protein structure/function; Has not been previously published as pathogenic or benign to our knowledge

NM_001127392.3(MYRF):c.1728T>A (p.Asn576Lys)

Gene: MYRF (myelin regulatory factor; plus strand). Cytogenetic location: 11q12.2.
Variant type: single nucleotide variant.
Coding change: c.1728T>A on transcript NM_001127392.3 (MANE Select); coding-DNA position 1728, T replaced by A.
Protein change: p.Asn576Lys; replaces asparagine 576 with lysine.
Molecular consequence: missense variant.
Genome position (GRCh38, 1-based): chr11:61,777,401, T>A. VCF-style: chr11-61777401-T-A. GRCh37 (hg19) VCF-style: chr11-61544873-T-A.
Other names: c.1701T>A, p.Asn567Lys (NM_013279.4); short protein forms N567K, N576K.
Identifiers: ClinVar variation 4685448 (VCV004685448.1).